The following is an entry in ClinVar:

NM_004284.6(CHD1L):c.2479A>G (p.Ile827Val)

Genes: CHD1L (chromodomain helicase DNA binding protein 1 like; plus strand), LOC126805854 (BRD4-independent group 4 enhancer GRCh37_chr1:146764440-146765639; plus strand). Cytogenetic location: 1q21.1.
Variant type: single nucleotide variant.
Coding change: c.2479A>G on transcript NM_004284.6 (MANE Select); coding-DNA position 2479, A replaced by G.
Protein change: p.Ile827Val; replaces isoleucine 827 with valine.
Molecular consequence: missense variant. On other transcripts: non-coding transcript variant (16).
Genome position (GRCh38, 1-based): chr1:147,293,695, A>G. VCF-style: chr1-147293695-A-G. GRCh37 (hg19) VCF-style: chr1-146765379-A-G.
Other names: c.2179A>G, p.Ile727Val (NM_001256336.3); c.1636A>G, p.Ile546Val (NM_001256337.3, NM_001348456.2, NM_001348457.2 and 9 more transcripts); c.1867A>G, p.Ile623Val (NM_001256338.3); c.2263A>G, p.Ile755Val (NM_001348451.2, NM_001348452.2); c.2140A>G, p.Ile714Val (NM_001348453.2, NM_024568.4); c.2023A>G, p.Ile675Val (NM_001348454.2); c.1990A>G, p.Ile664Val (NM_001348455.2); short protein forms I546V, I623V, I664V, I675V, I714V, I727V, I755V, I827V.
Identifiers: ClinVar variation 1549942 (VCV001549942.33), dbSNP rs148434783, ClinGen allele CA501245.

ClinVar aggregate classification (germline): Likely benign. Review status: criteria provided, multiple submitters, no conflicts (2 of 4 stars). 3 submissions from 3 submitters: Likely benign (3). Last evaluated 2025-07-01.

Allele frequency attached by ClinVar (database versions not stated): 1000 Genomes Project 30x 0.00078; 1000 Genomes Project 0.00080; ExAC 0.00251; gnomAD exomes 0.00262 and 0.00403; gnomAD 0.00264 and 0.00269; TOPMed 0.00274; ESP Exome Variant Server 0.00377.
gnomAD v4.1: 6,268 of 1,614,058 alleles (0.39%); highest among the groups gnomAD compares: Non-Finnish European, 0.49%; 15 homozygotes.

Submissions (24):

CeGaT Center for Human Genetics Tuebingen
Classification: Likely benign. Last evaluated: 2025-07-01. Review status: criteria provided, single submitter. Criteria: CeGaT Center For Human Genetics Tuebingen Variant Classification Criteria Version 2. Collection method: clinical testing. Allele origin: germline. Affected: yes. Observed: 2 variant alleles.
Comment: CHD1L: BP4, BS2

Labcorp Genetics (formerly Invitae), Labcorp
Classification: Likely benign. Last evaluated: 2023-11-13. Review status: criteria provided, single submitter. Criteria: Invitae Variant Classification Sherloc (09022015). Collection method: clinical testing. Allele origin: germline.

Breakthrough Genomics
Classification: Likely benign. Review status: criteria provided, single submitter. Criteria: ACMG Guidelines, 2015. Collection method: not provided. Allele origin: germline. Inheritance: Unknown mechanism. Affected: yes.

Dr. Peter K. Rogan Lab, Western University
No classification provided (evidence only). Condition: Lung cancer. Review status: no classification provided. Collection method: in vitro. Allele origin: not applicable. Functional consequence: retained intron. Not counted in ClinVar's aggregate classification.

Dr. Peter K. Rogan Lab, Western University
No classification provided (evidence only). Condition: Lung cancer. Review status: no classification provided. Collection method: in vitro. Allele origin: not applicable. Functional consequence: retained intron. Not counted in ClinVar's aggregate classification.

Dr. Peter K. Rogan Lab, Western University
No classification provided (evidence only). Condition: Lung cancer. Review status: no classification provided. Collection method: in vitro. Allele origin: not applicable. Functional consequence: retained intron. Not counted in ClinVar's aggregate classification.

Dr. Peter K. Rogan Lab, Western University
No classification provided (evidence only). Condition: Melanoma. Review status: no classification provided. Collection method: in vitro. Allele origin: not applicable. Functional consequence: retained intron. Not counted in ClinVar's aggregate classification.

Dr. Peter K. Rogan Lab, Western University
No classification provided (evidence only). Condition: Melanoma. Review status: no classification provided. Collection method: in vitro. Allele origin: not applicable. Functional consequence: retained intron. Not counted in ClinVar's aggregate classification.

Dr. Peter K. Rogan Lab, Western University
No classification provided (evidence only). Condition: Colorectal cancer. Review status: no classification provided. Collection method: in vitro. Allele origin: not applicable. Functional consequence: retained intron. Not counted in ClinVar's aggregate classification.

Dr. Peter K. Rogan Lab, Western University
No classification provided (evidence only). Condition: Thyroid cancer, nonmedullary, 1. Review status: no classification provided. Collection method: in vitro. Allele origin: not applicable. Functional consequence: retained intron. Not counted in ClinVar's aggregate classification.

Dr. Peter K. Rogan Lab, Western University
No classification provided (evidence only). Condition: Thyroid cancer, nonmedullary, 1. Review status: no classification provided. Collection method: in vitro. Allele origin: not applicable. Functional consequence: retained intron. Not counted in ClinVar's aggregate classification.

Dr. Peter K. Rogan Lab, Western University
No classification provided (evidence only). Condition: Thyroid cancer, nonmedullary, 1. Review status: no classification provided. Collection method: in vitro. Allele origin: not applicable. Functional consequence: retained intron. Not counted in ClinVar's aggregate classification.

Dr. Peter K. Rogan Lab, Western University
No classification provided (evidence only). Condition: Uterine corpus endometrial carcinoma. Review status: no classification provided. Collection method: in vitro. Allele origin: not applicable. Functional consequence: retained intron. Not counted in ClinVar's aggregate classification.

Dr. Peter K. Rogan Lab, Western University
No classification provided (evidence only). Condition: Uterine corpus endometrial carcinoma. Review status: no classification provided. Collection method: in vitro. Allele origin: not applicable. Functional consequence: skipped exon, retained intron. Not counted in ClinVar's aggregate classification.

Dr. Peter K. Rogan Lab, Western University
No classification provided (evidence only). Condition: Cervical cancer. Review status: no classification provided. Collection method: in vitro. Allele origin: not applicable. Functional consequence: retained intron. Not counted in ClinVar's aggregate classification.

Dr. Peter K. Rogan Lab, Western University
No classification provided (evidence only). Condition: Sarcoma. Review status: no classification provided. Collection method: in vitro. Allele origin: not applicable. Functional consequence: retained intron. Not counted in ClinVar's aggregate classification.

Dr. Peter K. Rogan Lab, Western University
No classification provided (evidence only). Condition: Hepatocellular carcinoma. Review status: no classification provided. Collection method: in vitro. Allele origin: not applicable. Functional consequence: retained intron. Not counted in ClinVar's aggregate classification.

Dr. Peter K. Rogan Lab, Western University
No classification provided (evidence only). Condition: Cholangiocarcinoma. Review status: no classification provided. Collection method: in vitro. Allele origin: not applicable. Functional consequence: retained intron. Not counted in ClinVar's aggregate classification.

Dr. Peter K. Rogan Lab, Western University
No classification provided (evidence only). Condition: Ovarian serous cystadenocarcinoma. Review status: no classification provided. Collection method: in vitro. Allele origin: not applicable. Functional consequence: retained intron. Not counted in ClinVar's aggregate classification.

Dr. Peter K. Rogan Lab, Western University
No classification provided (evidence only). Condition: Ovarian serous cystadenocarcinoma. Review status: no classification provided. Collection method: in vitro. Allele origin: not applicable. Functional consequence: retained intron. Not counted in ClinVar's aggregate classification.

Dr. Peter K. Rogan Lab, Western University
No classification provided (evidence only). Condition: Ovarian serous cystadenocarcinoma. Review status: no classification provided. Collection method: in vitro. Allele origin: not applicable. Functional consequence: retained intron. Not counted in ClinVar's aggregate classification.

Dr. Peter K. Rogan Lab, Western University
No classification provided (evidence only). Condition: Gastric cancer. Review status: no classification provided. Collection method: in vitro. Allele origin: not applicable. Functional consequence: retained intron. Not counted in ClinVar's aggregate classification.

Dr. Peter K. Rogan Lab, Western University
No classification provided (evidence only). Condition: Malignant tumor of esophagus. Review status: no classification provided. Collection method: in vitro. Allele origin: not applicable. Functional consequence: retained intron. Not counted in ClinVar's aggregate classification.

Dr. Peter K. Rogan Lab, Western University
No classification provided (evidence only). Condition: Malignant tumor of esophagus. Review status: no classification provided. Collection method: in vitro. Allele origin: not applicable. Functional consequence: retained intron. Not counted in ClinVar's aggregate classification.